The following is an entry in ClinVar:

NM_003072.5(SMARCA4):c.1061C>T (p.Pro354Leu)

Gene: SMARCA4 (SWI/SNF related BAF chromatin remodeling complex subunit ATPase 4; plus strand). Cytogenetic location: 19p13.2.
Variant type: single nucleotide variant.
Coding change: c.1061C>T on transcript NM_003072.5 (MANE Select); coding-DNA position 1061, C replaced by T.
Protein change: p.Pro354Leu; replaces proline 354 with leucine.
Molecular consequence: missense variant. On other transcripts: non-coding transcript variant (1).
Genome position (GRCh38, 1-based): chr19:10,987,867, C>T. VCF-style: chr19-10987867-C-T. GRCh37 (hg19) VCF-style: chr19-11098543-C-T.
Other names: c.1061C>T, p.Pro354Leu (NM_001128844.3, NM_001128845.2, NM_001128846.2 and 6 more transcripts); c.1061C>T (NM_001128849.1); short protein forms P354L.
Identifiers: ClinVar variation 2716874 (VCV002716874.4), dbSNP rs1599971262, ClinGen allele CA404058740.
Genomic context (GRCh38, chr19:10,987,867, plus strand): 5'-GGCAGCCGGCCCAGCCCGCGCCCATGGTGCCACTGCACCAGAAGCAGAGCCGCATCACCC[C>T]CATCCAGAAGCCGCGGGGCCTCGACCCTGTGGAGATCCTGCAGGAGCGCGAGTACAGGTG-3'
Protein context (NP_003063.2, residues 344-364): PLHQKQSRIT[Pro354Leu]IQKPRGLDPV

ClinVar aggregate classification (germline): Uncertain significance. Review status: criteria provided, multiple submitters, no conflicts (2 of 4 stars). 2 submissions from 2 submitters: Uncertain significance (2). Last evaluated 2025-09-26.

Conditions:
Hereditary cancer-predisposing syndrome. Also called: Neoplastic Syndromes, Hereditary; Tumor predisposition; Hereditary neoplastic syndrome; Hereditary Cancer Syndrome. Identifiers: Orphanet 140162, MedGen C0027672, MeSH D009386, MONDO:0015356.
Rhabdoid tumor predisposition syndrome 2 (RTPS2). Identifiers: Orphanet 231108, Orphanet 69077, MedGen C2750074, MONDO:0013224, OMIM 613325.

Submissions (2):

Ambry Genetics
Classification: Uncertain significance for Hereditary cancer-predisposing syndrome. Last evaluated: 2025-09-26. Review status: criteria provided, single submitter. Criteria: Ambry Variant Classification Scheme 2023. Collection method: clinical testing. Allele origin: germline.
Comment: The p.P354L variant (also known as c.1061C>T), located in coding exon 5 of the SMARCA4 gene, results from a C to T substitution at nucleotide position 1061. The proline at codon 354 is replaced by leucine, an amino acid with similar properties. This amino acid position is conserved. In addition, this alteration is predicted to be deleterious by in silico analysis. Based on the available evidence, the clinical significance of this variant remains unclear.

Labcorp Genetics (formerly Invitae), Labcorp
Classification: Uncertain significance for Rhabdoid tumor predisposition syndrome 2. Last evaluated: 2023-06-15. Review status: criteria provided, single submitter. Criteria: Invitae Variant Classification Sherloc (09022015). Collection method: clinical testing. Allele origin: germline.
Comment: In summary, the available evidence is currently insufficient to determine the role of this variant in disease. Therefore, it has been classified as a Variant of Uncertain Significance. This variant has not been reported in the literature in individuals affected with SMARCA4-related conditions. Advanced modeling of protein sequence and biophysical properties (such as structural, functional, and spatial information, amino acid conservation, physicochemical variation, residue mobility, and thermodynamic stability) performed at Invitae indicates that this missense variant is expected to disrupt SMARCA4 protein function. This sequence change replaces proline, which is neutral and non-polar, with leucine, which is neutral and non-polar, at codon 354 of the SMARCA4 protein (p.Pro354Leu). This variant is not present in population databases (gnomAD no frequency).